The following is an entry in ClinVar:

ClinVar aggregate classification (germline): Uncertain significance (1 of 4 stars; one submission).

Submission:

Labcorp Genetics (formerly Invitae), Labcorp
Classification: Uncertain significance. Last evaluated: 2023-07-17. Review status: criteria provided, single submitter. Criteria: Invitae Variant Classification Sherloc (09022015). Collection method: clinical testing. Allele origin: germline.
Comment: In summary, the available evidence is currently insufficient to determine the role of this variant in disease. Therefore, it has been classified as a Variant of Uncertain Significance. Variants that disrupt the consensus splice site are a relatively common cause of aberrant splicing (PMID: 17576681, 9536098). Algorithms developed to predict the effect of sequence changes on RNA splicing suggest that this variant may disrupt the consensus splice site. ClinVar contains an entry for this variant (Variation ID: 2126916). This variant has not been reported in the literature in individuals affected with IDH3A-related conditions. This variant is not present in population databases (gnomAD no frequency). This sequence change affects codon 288 of the IDH3A mRNA. It is a 'silent' change, meaning that it does not change the encoded amino acid sequence of the IDH3A protein. This variant also falls at the last nucleotide of exon 9, which is part of the consensus splice site for this exon.

Literature cited by the submitters: PubMed 17576681; PubMed 9536098.

NM_005530.3(IDH3A):c.864G>T (p.Ser288=)

Gene: IDH3A (isocitrate dehydrogenase (NAD(+)) 3 catalytic subunit alpha; plus strand). Cytogenetic location: 15q25.1.
Variant type: single nucleotide variant.
Coding change: c.864G>T on transcript NM_005530.3 (MANE Select); coding-DNA position 864, G replaced by T.
Protein change: p.Ser288=; no amino-acid change (serine 288 retained).
Molecular consequence: synonymous variant.
Genome position (GRCh38, 1-based): chr15:78,165,076, G>T. VCF-style: chr15-78165076-G-T. GRCh37 (hg19) VCF-style: chr15-78457418-G-T.
Identifiers: ClinVar variation 2126916 (VCV002126916.4), dbSNP rs575301725, ClinGen allele CA491607078.